The following is an entry in ClinVar:

NM_201384.3(PLEC):c.4652G>A (p.Arg1551His)

Gene: PLEC (plectin; minus strand). Cytogenetic location: 8q24.3.
Variant type: single nucleotide variant.
Coding change: c.4652G>A on transcript NM_201384.3 (MANE Select); coding-DNA position 4652, G replaced by A.
Protein change: p.Arg1551His; replaces arginine 1551 with histidine.
Molecular consequence: missense variant.
Genome position (GRCh38, 1-based): chr8:143,925,277, C>T on the plus strand (G>A on the coding strand, the complement: PLEC is on the minus strand). VCF-style: chr8-143925277-C-T. GRCh37 (hg19) VCF-style: chr8-144999445-C-T.
Other names: c.4733G>A, p.Arg1578His (NM_000445.5); c.4610G>A, p.Arg1537His (NM_201378.4); c.4586G>A, p.Arg1529His (NM_201379.3); c.5063G>A, p.Arg1688His (NM_201380.4); c.4556G>A, p.Arg1519His (NM_201381.3); c.4652G>A, p.Arg1551His (NM_201382.4); c.4664G>A, p.Arg1555His (NM_201383.3); short protein forms R1519H, R1537H, R1551H, R1529H, R1555H, R1578H, R1688H.
Identifiers: ClinVar variation 861329 (VCV000861329.13), dbSNP rs374991369, ClinGen allele CA4926592.

ClinVar aggregate classification (germline): Conflicting classifications of pathogenicity. Review status: criteria provided, conflicting classifications (1 of 4 stars). 5 submissions from 5 submitters: Uncertain significance (4); Likely benign (1). Last evaluated 2025-12-19.

Conditions:
Inborn genetic diseases. Identifiers: MedGen C0950123, MeSH D030342.
Epidermolysis bullosa simplex 5B, with muscular dystrophy (EBS5B). Also called: Epidermolysis bullosa simplex with muscular dystrophy; EPIDERMOLYSIS BULLOSA SIMPLEX AND LIMB-GIRDLE MUSCULAR DYSTROPHY. Identifiers: Orphanet 257, MedGen C2931072, MONDO:0009181, OMIM 226670.
Epidermolysis bullosa simplex 5C, with pyloric atresia (EBS5C). Also called: PLEC1-Related Epidermolysis Bullosa with Pyloric Atresia; Epidermolysis bullosa simplex with pyloric atresia; PLEC-Related Epidermolysis Bullosa with Pyloric Atresia. Identifiers: Orphanet 158684, MedGen C2677349, MONDO:0012807, OMIM 612138.
Junctional epidermolysis bullosa with pyloric atresia. Also called: APLASIA CUTIS CONGENITA WITH GASTROINTESTINAL ATRESIA; CARMI SYNDROME; Junctional Epidermolysis Bullosa- Pyloric Atresia Syndrome; Epidermolysis bullosa, junctional, with pyloric atresia and aplasia cutis congenita; Epidermolysis bullosa junctionalis with pyloric atresia; EPIDERMOLYSIS BULLOSA, JUNCTIONAL 5B, WITH PYLORIC ATRESIA. Identifiers: Orphanet 79403, MedGen C5676875, MONDO:0009183, OMIM 226730.
Epidermolysis bullosa simplex, Ogna type (EBS5A). Also called: Pidermolysis bullosa simplex 5A, Ogna type; EPIDERMOLYSIS BULLOSA SIMPLEX 5A, OGNA TYPE. Identifiers: Orphanet 79401, MedGen C0432317, MONDO:0007555, OMIM 131950.
Autosomal recessive limb-girdle muscular dystrophy type 2Q (LGMDR17). Also called: MUSCULAR DYSTROPHY, LIMB-GIRDLE, AUTOSOMAL RECESSIVE 17. Identifiers: Orphanet 254361, MedGen C3150989, MONDO:0013390, OMIM 613723.
Epidermolysis bullosa simplex with nail dystrophy (EBS5D). Identifiers: MedGen C4225309, MONDO:0014661, OMIM 616487.

Allele frequency attached by ClinVar (database versions not stated): ESP Exome Variant Server 0.00011; TOPMed 0.00012; gnomAD 0.00016 and 0.00017.
gnomAD v4.1: 442 of 1,577,072 alleles (0.028%); highest among the groups gnomAD compares: Non-Finnish European, 0.036%; 2 homozygotes.

Submissions (5):

Labcorp Genetics (formerly Invitae), Labcorp
Classification: Uncertain significance for Autosomal recessive limb-girdle muscular dystrophy type 2Q; Epidermolysis bullosa simplex, Ogna type; Epidermolysis bullosa simplex with nail dystrophy; Epidermolysis bullosa simplex 5C, with pyloric atresia; Epidermolysis bullosa simplex 5B, with muscular dystrophy. Last evaluated: 2025-12-19. Review status: criteria provided, single submitter. Criteria: Invitae Variant Classification Sherloc (09022015). Collection method: clinical testing. Allele origin: germline.
Comment: This sequence change replaces arginine, which is basic and polar, with histidine, which is basic and polar, at codon 1578 of the PLEC protein (p.Arg1578His). This variant is present in population databases (rs374991369, gnomAD 0.03%). This variant has not been reported in the literature in individuals affected with PLEC-related conditions. ClinVar contains an entry for this variant (Variation ID: 861329). Experimental studies and prediction algorithms are not available or were not evaluated, and the functional significance of this variant is currently unknown. In summary, the available evidence is currently insufficient to determine the role of this variant in disease. Therefore, it has been classified as a Variant of Uncertain Significance.

Revvity Omics, Revvity
Classification: Uncertain significance. Last evaluated: 2023-03-16. Review status: criteria provided, single submitter. Criteria: ACMG Guidelines, 2015. Collection method: clinical testing. Allele origin: germline.

Ambry Genetics
Classification: Uncertain significance for Inborn genetic diseases. Last evaluated: 2023-02-22. Review status: criteria provided, single submitter. Criteria: Ambry Variant Classification Scheme 2023. Collection method: clinical testing. Allele origin: germline.

Department of Pathology and Laboratory Medicine, Sinai Health System
Classification: Uncertain significance for Epidermolysis bullosa simplex, Ogna type; Epidermolysis bullosa simplex 5B, with muscular dystrophy; Junctional epidermolysis bullosa with pyloric atresia; Epidermolysis bullosa simplex 5C, with pyloric atresia; Autosomal recessive limb-girdle muscular dystrophy type 2Q; Epidermolysis bullosa simplex with nail dystrophy. Last evaluated: 2022-03-15. Review status: criteria provided, single submitter. Criteria: ACMG Guidelines, 2015. Collection method: research. Allele origin: germline.

GeneDx
Classification: Likely benign. Last evaluated: 2018-06-26. Review status: criteria provided, single submitter. Criteria: GeneDx Variant Classification Process June 2021. Collection method: clinical testing. Allele origin: germline. Affected: yes.